The following is an entry in ClinVar:

NM_001163809.2(WDR81):c.5061G>A (p.Thr1687=)

Gene: WDR81 (WD repeat domain 81; plus strand). Cytogenetic location: 17p13.3.
Variant type: single nucleotide variant.
Coding change: c.5061G>A on transcript NM_001163809.2 (MANE Select); coding-DNA position 5061, G replaced by A.
Protein change: p.Thr1687=; no amino-acid change (threonine 1687 retained).
Molecular consequence: synonymous variant.
Genome position (GRCh38, 1-based): chr17:1,734,098, G>A. VCF-style: chr17-1734098-G-A. GRCh37 (hg19) VCF-style: chr17-1637392-G-A.
Other names: c.1452G>A, p.Thr484= (NM_001163673.2); c.1380G>A, p.Thr460= (NM_001163811.2); c.1908G>A, p.Thr636= (NM_152348.4).
Identifiers: ClinVar variation 4984741 (VCV004984741.1).

ClinVar aggregate classification (germline): Likely benign (1 of 4 stars; one submission).

Conditions:
WDR81-related disorder. Also called: WDR81-related condition.

Submission:

PreventionGenetics, part of Exact Sciences
Classification: Likely benign for WDR81-related condition. Last evaluated: 2026-06-04. Review status: criteria provided, single submitter. Criteria: ACMG Guidelines, 2015. Collection method: clinical testing. Allele origin: germline.
Comment: This variant is classified as likely benign based on ACMG/AMP sequence variant interpretation guidelines (Richards et al. 2015 PMID: 25741868, with internal and published modifications).